The following is an entry in ClinVar:

ClinVar aggregate classification (germline): Uncertain significance. Review status: criteria provided, multiple submitters, no conflicts (2 of 4 stars). 4 submissions from 4 submitters: Uncertain significance (3). 1 of the submissions does not count toward it. Last evaluated 2025-02-03.

Conditions:
Autosomal recessive limb-girdle muscular dystrophy type 2P. Also called: MUSCULAR DYSTROPHY-DYSTROGLYCANOPATHY, LIMB-GIRDLE, DAG1-RELATED; MUSCULAR DYSTROPHY, LIMB-GIRDLE, TYPE 2P; Limb-Girdle Muscular Dystrophy Type 9C. Identifiers: Orphanet 280333, MedGen C4511963, MONDO:0013440, OMIM 613818.
Muscular dystrophy-dystroglycanopathy (congenital with brain and eye anomalies), type A9. Also called: Muscular dystrophy-dystroglycanopathy (congenital with brain and eye anomalies), type a, 9; WALKER-WARBURG SYNDROME OR MUSCLE-EYE BRAIN DISEASE, DAG1-RELATED. Identifiers: Orphanet 370997, Orphanet 899, MedGen C4225291, MONDO:0014683, OMIM 616538.

Allele frequency attached by ClinVar (database versions not stated): TOPMed 0.00003; gnomAD 0.00004 and 0.00009; ESP Exome Variant Server 0.00008; ExAC 0.00014; 1000 Genomes Project 30x 0.00047; 1000 Genomes Project 0.00060.
gnomAD v4.1: 173 of 1,614,174 alleles (0.011%); highest among the groups gnomAD compares: East Asian, 0.29%; 1 homozygote.

Submissions (4):

Revvity Omics, Revvity
Classification: Uncertain significance. Last evaluated: 2025-02-03. Review status: criteria provided, single submitter. Criteria: ACMG Guidelines, 2015. Collection method: clinical testing. Allele origin: germline.

Blueprint Genetics
Classification: Uncertain significance. Last evaluated: 2024-10-22. Review status: criteria provided, single submitter. Criteria: ACMG Guidelines, 2015. Collection method: clinical testing. Allele origin: germline.

Labcorp Genetics (formerly Invitae), Labcorp
Classification: Uncertain significance for Autosomal recessive limb-girdle muscular dystrophy type 2P; Muscular dystrophy-dystroglycanopathy (congenital with brain and eye anomalies), type A9. Last evaluated: 2022-09-03. Review status: criteria provided, single submitter. Criteria: Invitae Variant Classification Sherloc (09022015). Collection method: clinical testing. Allele origin: germline.
Comment: This sequence change replaces valine, which is neutral and non-polar, with isoleucine, which is neutral and non-polar, at codon 74 of the DAG1 protein (p.Val74Ile). This variant is present in population databases (rs189360006, gnomAD 0.1%). This missense change has been observed in individual(s) with clinical features of muscular dystrophy-dystroglycanopathy (PMID: 25503980). ClinVar contains an entry for this variant (Variation ID: 208540). Algorithms developed to predict the effect of missense changes on protein structure and function output the following: SIFT: "Tolerated"; PolyPhen-2: "Benign"; Align-GVGD: "Class C0". The isoleucine amino acid residue is found in multiple mammalian species, which suggests that this missense change does not adversely affect protein function. Experimental studies have shown that this missense change affects DAG1 function (PMID: 25503980). In summary, the available evidence is currently insufficient to determine the role of this variant in disease. Therefore, it has been classified as a Variant of Uncertain Significance.

OMIM
Classification: Pathogenic for MUSCULAR DYSTROPHY-DYSTROGLYCANOPATHY (LIMB-GIRDLE), TYPE C, 9. Last evaluated: 2015-01-20. Review status: no assertion criteria provided. Collection method: literature only. Allele origin: germline. Not counted in ClinVar's aggregate classification.

Literature cited by the submitters: PubMed 25503980 (cited by Labcorp Genetics (formerly Invitae), Labcorp and OMIM).

NM_004393.6(DAG1):c.220G>A (p.Val74Ile)

Gene: DAG1 (dystroglycan 1; plus strand). Cytogenetic location: 3p21.31.
Variant type: single nucleotide variant.
Coding change: c.220G>A on transcript NM_004393.6 (MANE Select); coding-DNA position 220, G replaced by A.
Protein change: p.Val74Ile; replaces valine 74 with isoleucine.
Molecular consequence: missense variant.
Genome position (GRCh38, 1-based): chr3:49,510,754, G>A. VCF-style: chr3-49510754-G-A. GRCh37 (hg19) VCF-style: chr3-49548187-G-A.
Other names: DAG1, VAL74ILE (rs189360006); c.220G>A, p.Val74Ile (NM_001165928.4, NM_001177634.3, NM_001177635.3 and 9 more transcripts); short protein forms V74I.
Identifiers: ClinVar variation 208540 (VCV000208540.7), dbSNP rs189360006, ClinGen allele CA204525.